The following is an entry in ClinVar:

ClinVar aggregate classification (germline): Benign (1 of 4 stars; one submission).

Conditions:
Prostate cancer, hereditary, 9 (HPC9). Identifiers: Orphanet 1331, MedGen C1970250, MONDO:0012597, OMIM 610997.

gnomAD v4.1: 1 of 1,612,088 alleles (0.000062%); highest among the groups gnomAD compares: Non-Finnish European, 0.000085%; no homozygotes.

Submission:

Myriad Genetics, Inc.
Classification: Benign for Prostate cancer, hereditary, 9. Last evaluated: 2024-10-31. Review status: criteria provided, single submitter. Criteria: Myriad Autosomal Dominant, Autosomal Recessive and X-Linked Classification Criteria (2023). Collection method: clinical testing. Allele origin: unknown.
Comment: This variant is considered benign. This variant occurs in the non-coding 3' untranslated region of the gene, and is not expected to impact protein function.

NM_006361.6(HOXB13):c.*5T>G

Gene: HOXB13 (homeobox B13; minus strand). Cytogenetic location: 17q21.32.
Variant type: single nucleotide variant.
Coding change: c.*5T>G on transcript NM_006361.6 (MANE Select); 5 bases downstream of the stop codon, T replaced by G.
Molecular consequence: 3 prime UTR variant.
Genome position (GRCh38, 1-based): chr17:48,726,785, A>C on the plus strand (T>G on the coding strand, the complement: HOXB13 is on the minus strand). VCF-style: chr17-48726785-A-C. GRCh37 (hg19) VCF-style: chr17-46804147-A-C.
Identifiers: ClinVar variation 3772978 (VCV003772978.1).